The following is an entry in ClinVar:

ClinVar aggregate classification (germline): Uncertain significance (1 of 4 stars; one submission).

Conditions:
Intellectual developmental disorder, autosomal dominant 1. Also called: MBD5 Haploinsufficiency; Intellectual disability, autosomal dominant 1. Identifiers: Orphanet 228402, MedGen C1969562, MONDO:0007974, OMIM 156200.

gnomAD v4.1: 4 of 1,614,020 alleles (0.00025%); highest among the groups gnomAD compares: South Asian, 0.0044%; no homozygotes.

Submission:

Labcorp Genetics (formerly Invitae), Labcorp
Classification: Uncertain significance for Intellectual developmental disorder, autosomal dominant 1. Last evaluated: 2024-04-02. Review status: criteria provided, single submitter. Criteria: Invitae Variant Classification Sherloc (09022015). Collection method: clinical testing. Allele origin: germline.
Comment: This sequence change replaces threonine, which is neutral and polar, with alanine, which is neutral and non-polar, at codon 1000 of the MBD5 protein (p.Thr1000Ala). This variant is present in population databases (rs751634567, gnomAD 0.003%). This variant has not been reported in the literature in individuals affected with MBD5-related conditions. Advanced modeling of protein sequence and biophysical properties (such as structural, functional, and spatial information, amino acid conservation, physicochemical variation, residue mobility, and thermodynamic stability) performed at Invitae indicates that this missense variant is not expected to disrupt MBD5 protein function with a negative predictive value of 80%. In summary, the available evidence is currently insufficient to determine the role of this variant in disease. Therefore, it has been classified as a Variant of Uncertain Significance.

NM_001378120.1(MBD5):c.3697A>G (p.Thr1233Ala)

Gene: MBD5 (methyl-CpG binding domain protein 5; plus strand). Cytogenetic location: 2q23.1.
Variant type: single nucleotide variant.
Coding change: c.3697A>G on transcript NM_001378120.1 (MANE Select); coding-DNA position 3697, A replaced by G.
Protein change: p.Thr1233Ala; replaces threonine 1233 with alanine.
Molecular consequence: missense variant.
Genome position (GRCh38, 1-based): chr2:148,485,894, A>G. VCF-style: chr2-148485894-A-G. GRCh37 (hg19) VCF-style: chr2-149243463-A-G.
Other names: c.2998A>G, p.Thr1000Ala (NM_018328.5); short protein forms T1000A, T1233A.
Identifiers: ClinVar variation 3668581 (VCV003668581.2).